The following is an entry in ClinVar:

ClinVar aggregate classification (germline): Likely benign (0 of 4 stars; one submission).

Conditions:
DCTN1-related disorder. Also called: DCTN1-related condition.

Allele frequency attached by ClinVar (database versions not stated): TOPMed 0.00001.

Submission:

PreventionGenetics, part of Exact Sciences
Classification: Likely benign for DCTN1-related condition. Last evaluated: 2023-01-20. Review status: no assertion criteria provided. Collection method: clinical testing. Allele origin: germline.
Comment: This variant is classified as likely benign based on ACMG/AMP sequence variant interpretation guidelines (Richards et al. 2015 PMID: 25741868, with internal and published modifications).

NM_004082.5(DCTN1):c.3530-5C>T

Gene: DCTN1 (dynactin subunit 1; minus strand). Cytogenetic location: 2p13.1.
Variant type: single nucleotide variant.
Coding change: c.3530-5C>T on transcript NM_004082.5 (MANE Select); 5 bases into the intron before coding-DNA position 3530, C replaced by T.
Molecular consequence: intron variant.
Genome position (GRCh38, 1-based): chr2:74,362,734, G>A on the plus strand (C>T on the coding strand, the complement: DCTN1 is on the minus strand). VCF-style: chr2-74362734-G-A. GRCh37 (hg19) VCF-style: chr2-74589861-G-A.
Other names: c.3404-5C>T (NM_001190836.2); c.3461-5C>T (NM_001378992.1); c.3479-5C>T (NM_001378991.1); c.3455-5C>T (NM_001135040.3); c.3509-5C>T (NM_001190837.2); c.3113-5C>T (NM_001135041.3); c.3128-5C>T (NM_023019.4).
Identifiers: ClinVar variation 3030261 (VCV003030261.2), dbSNP rs1403282920, ClinGen allele CA892905637.